The following is an entry in ClinVar:

ClinVar aggregate classification (germline): Uncertain significance (1 of 4 stars; one submission).

Conditions:
Hermansky-Pudlak syndrome 2 (HPS2). Also called: Platelet defects and oculocutaneous albinism. Identifiers: Orphanet 183678, Orphanet 79430, MedGen C1842362, MONDO:0011997, OMIM 608233.

Allele frequency attached by ClinVar (database versions not stated): gnomAD exomes below 0.00001; gnomAD 0.00001; TOPMed 0.00001.
gnomAD v4.1: 2 of 1,605,132 alleles (0.00012%); highest among the groups gnomAD compares: Non-Finnish European, 0.00017%; no homozygotes.

Submission:

Labcorp Genetics (formerly Invitae), Labcorp
Classification: Uncertain significance for Hermansky-Pudlak syndrome 2. Last evaluated: 2022-06-13. Review status: criteria provided, single submitter. Criteria: Invitae Variant Classification Sherloc (09022015). Collection method: clinical testing. Allele origin: germline.
Comment: This sequence change replaces arginine, which is basic and polar, with lysine, which is basic and polar, at codon 795 of the AP3B1 protein (p.Arg795Lys). In summary, the available evidence is currently insufficient to determine the role of this variant in disease. Therefore, it has been classified as a Variant of Uncertain Significance. Algorithms developed to predict the effect of missense changes on protein structure and function output the following: SIFT: "Tolerated"; PolyPhen-2: "Benign"; Align-GVGD: "Class C0". The lysine amino acid residue is found in multiple mammalian species, which suggests that this missense change does not adversely affect protein function. This variant has not been reported in the literature in individuals affected with AP3B1-related conditions. This variant is present in population databases (no rsID available, gnomAD 0.007%).

NM_003664.5(AP3B1):c.2384G>A (p.Arg795Lys)

Gene: AP3B1 (adaptor related protein complex 3 subunit beta 1; minus strand). Cytogenetic location: 5q14.1.
Variant type: single nucleotide variant.
Coding change: c.2384G>A on transcript NM_003664.5 (MANE Select); coding-DNA position 2384, G replaced by A.
Protein change: p.Arg795Lys; replaces arginine 795 with lysine.
Molecular consequence: missense variant.
Genome position (GRCh38, 1-based): chr5:78,110,220, C>T on the plus strand (G>A on the coding strand, the complement: AP3B1 is on the minus strand). VCF-style: chr5-78110220-C-T. GRCh37 (hg19) VCF-style: chr5-77406044-C-T.
Other names: c.2237G>A, p.Arg746Lys (NM_001271769.2); short protein forms R795K, R746K.
Identifiers: ClinVar variation 1351212 (VCV001351212.8), dbSNP rs1017591456, ClinGen allele CA121081042.